The following is an entry in ClinVar:

NM_012431.3(SEMA3E):c.603_604inv (p.Ile202Leu)

Gene: SEMA3E (semaphorin 3E; minus strand). Cytogenetic location: 7q21.11.
Variant type: Inversion.
Coding change: c.603_604inv on transcript NM_012431.3 (MANE Select).
Protein change: p.Ile202Leu; replaces isoleucine 202 with leucine.
Molecular consequence: missense variant.
Genome position: GRCh38 VCF-style: chr7-83408434-TC-GA. GRCh37 (hg19) VCF-style: chr7-83037750-TC-GA.
Other names: c.423_424inv, p.Ile142Leu (NM_001178129.2); short protein forms I202L, I142L.
Identifiers: ClinVar variation 1038334 (VCV001038334.8), ClinGen allele CA2499219022.
Genomic context (GRCh38, chr7:83,408,434, plus strand): 5'-ACAGACGCTCATCGTCATGCTCAGTGCGGATATGGGCCAGTCGCCCCATGCTGCGGAAGA[TC>GA]GCAGCGTCTCTGCTCCAGTAGTCACTGTAGAGTCCAGCAAACAATTCACTACCTACACGG-3'
Protein context (NP_036563.1, residues 192-212): YSDYWSRDAA[Ile202Leu]FRSMGRLAHI

ClinVar aggregate classification (germline): Uncertain significance (1 of 4 stars; one submission).

Conditions:
CHARGE syndrome (CHARGE). Also called: Hittner Hirsch Kreh syndrome; Coloboma, heart anomaly, choanal atresia, retardation, genital and ear anomalies; CHARGE association; Hall-Hittner syndrome; CHARGE ASSOCIATION--COLOBOMA, HEART ANOMALY, CHOANAL ATRESIA, RETARDATION, GENITAL AND EAR ANOMALIES. Identifiers: Orphanet 138, MedGen C0265354, MONDO:0008965.

Submission:

Labcorp Genetics (formerly Invitae), Labcorp
Classification: Uncertain significance for CHARGE syndrome. Last evaluated: 2023-07-14. Review status: criteria provided, single submitter. Criteria: Invitae Variant Classification Sherloc (09022015). Collection method: clinical testing. Allele origin: germline.
Comment: In summary, the available evidence is currently insufficient to determine the role of this variant in disease. Therefore, it has been classified as a Variant of Uncertain Significance. Experimental studies and prediction algorithms are not available or were not evaluated, and the functional significance of this variant is currently unknown. ClinVar contains an entry for this variant (Variation ID: 1038334). This variant has not been reported in the literature in individuals affected with SEMA3E-related conditions. Information on the frequency of this variant in the gnomAD database is not available, as this variant may be reported differently in the database. This sequence change replaces isoleucine, which is neutral and non-polar, with leucine, which is neutral and non-polar, at codon 202 of the SEMA3E protein (p.Ile202Leu).